The following is an entry in ClinVar:

ClinVar aggregate classification (germline): Benign (1 of 4 stars; one submission).

Allele frequency attached by ClinVar (database versions not stated): gnomAD 0.12208 and 0.12296; TOPMed 0.12772; 1000 Genomes Project 0.14916; 1000 Genomes Project 30x 0.15116.
gnomAD v4.1: 18,672 of 151,984 alleles (12%); highest among the groups gnomAD compares: Middle Eastern, 20%; 1,247 homozygotes.

Submission:

GeneDx
Classification: Benign. Last evaluated: 2018-06-19. Review status: criteria provided, single submitter. Criteria: GeneDx Variant Classification (06012015). Collection method: clinical testing. Allele origin: germline. Affected: yes.
Comment: This variant is considered likely benign or benign based on one or more of the following criteria: it is a conservative change, it occurs at a poorly conserved position in the protein, it is predicted to be benign by multiple in silico algorithms, and/or has population frequency not consistent with disease.

NM_001103.4(ACTN2):c.126+331G>C

Gene: ACTN2 (actinin alpha 2; plus strand). Cytogenetic location: 1q43.
Variant type: single nucleotide variant.
Coding change: c.126+331G>C on transcript NM_001103.4 (MANE Select); 331 bases into the intron after coding-DNA position 126, G replaced by C.
Molecular consequence: intron variant.
Genome position (GRCh38, 1-based): chr1:236,687,130, G>C. VCF-style: chr1-236687130-G-C. GRCh37 (hg19) VCF-style: chr1-236850430-G-C.
Other names: c.-696+331G>C (NM_001278344.2); c.126+331G>C (NM_001278343.2).
Identifiers: ClinVar variation 683075 (VCV000683075.1), dbSNP rs644401, ClinGen allele CA16083346.